The following is an entry in ClinVar:

NM_001164508.2(NEB):c.13130_13131del (p.Met4377fs)

Gene: NEB (nebulin; minus strand). Cytogenetic location: 2q23.3.
Variant type: Deletion.
Coding change: c.13130_13131del on transcript NM_001164508.2 (MANE Select); coding-DNA positions 13130 to 13131, 2 bases deleted (TG; older notation c.13130_13131delTG).
Protein change: p.Met4377fs; shifts the reading frame from methionine 4377.
Molecular consequence: frameshift variant. On other transcripts: intron variant (1).
Genome position (GRCh38, 1-based): chr2:151,603,701-151,603,702, CA deleted on the plus strand (TG on the coding strand, the reverse complement: NEB is on the minus strand). VCF-style (leftmost placement, unchanged base first): chr2-151603700-TCA-T. GRCh37 (hg19) VCF-style: chr2-152460214-TCA-T.
Other names: c.13130_13131del (NM_001271208.1); c.13130_13131delTG (NM_001271208.1); c.13130_13131del, p.Met4377fs (NM_001164507.2, NM_001271208.2); c.11601+6107_11601+6108del (NM_004543.5); short protein forms M4377fs.
Identifiers: ClinVar variation 814016 (VCV000814016.15), dbSNP rs1490309743, ClinGen allele CA537030402.

ClinVar aggregate classification (germline): Pathogenic/Likely pathogenic. Review status: criteria provided, multiple submitters, no conflicts (2 of 4 stars). 7 submissions from 7 submitters: Pathogenic (2); Likely pathogenic (5). Last evaluated 2025-07-29.

Conditions:
NEB-related disorder. Also called: NEB-related condition; NEB-Related Disorders.
Arthrogryposis multiplex congenita 6. Identifiers: MedGen C5543431, MONDO:0030281, OMIM 619334.
Nemaline myopathy 2 (NEM2). Also called: Nemaline myopathy 2, autosomal recessive. Identifiers: MedGen C1850569, MONDO:0009725, OMIM 256030.

Allele frequency attached by ClinVar (database versions not stated): gnomAD 0.00001.

Submissions (7):

GeneDx
Classification: Likely pathogenic. Last evaluated: 2025-07-29. Review status: criteria provided, single submitter. Criteria: GeneDx Variant Classification Process June 2021. Collection method: clinical testing. Allele origin: germline. Affected: yes.
Comment: Frameshift variant predicted to result in protein truncation or nonsense mediated decay in a gene for which loss of function is a known mechanism of disease; Not observed at significant frequency in large population cohorts (gnomAD); Reported in a patient with nemaline myopathy who harbored an additional NEB variant in trans (PMID: 38544359); This variant is associated with the following publications: (PMID: 38544359)

Natera, Inc.
Classification: Likely pathogenic for Nemaline myopathy type 2. Last evaluated: 2025-02-17. Review status: criteria provided, single submitter. Criteria: Natera Variant Classification Schema (03/2026). Collection method: clinical testing. Allele origin: germline.
Comment: The c.13130_13131delTG variant in NEB is a frameshift variant predicted to shift the reading frame beginning at codon 4377 and leads to a stop codon 11 codons downstream. This variant is expected to result in nonsense mediated decay, truncation, or a dysfunctional protein product. This variant is rare in the general population with a frequency below the threshold expected for the associated phenotype(s). Given the available evidence, this variant is classified as Likely Pathogenic.

Labcorp Genetics (formerly Invitae), Labcorp
Classification: Pathogenic for Nemaline myopathy 2. Last evaluated: 2024-02-23. Review status: criteria provided, single submitter. Criteria: Invitae Variant Classification Sherloc (09022015). Collection method: clinical testing. Allele origin: germline.
Comment: This variant occurs in a region of NEB (Exons 82-105) consisting of three highly homologous 8-exon repeat units (exons 82-89, exons 90-97, exons 98-105). Sequence variants in this region can be detected, but this assay cannot determine which of the three repeat units is affected, and zygosity is often ambiguous. All variants in this region are reported relative to the exon 82-89 repeat. This sequence change creates a premature translational stop signal (p.Met4377Lysfs*11) in the NEB gene. It is expected to result in an absent or disrupted protein product. Loss-of-function variants in NEB are known to be pathogenic (PMID: 25205138). The frequency data for this variant in the population databases (gnomAD) is considered unreliable due to the presence of homologous sequence, such as pseudogenes or paralogs, in the genome. This variant has not been reported in the literature in individuals affected with NEB-related conditions. ClinVar contains an entry for this variant (Variation ID: 814016). For these reasons, this variant has been classified as Pathogenic.

Baylor Genetics
Classification: Likely pathogenic for Arthrogryposis multiplex congenita 6. Last evaluated: 2023-10-14. Review status: criteria provided, single submitter. Criteria: ACMG Guidelines, 2015. Collection method: clinical testing. Allele origin: unknown.

PreventionGenetics, part of Exact Sciences
Classification: Likely pathogenic for NEB-related condition. Last evaluated: 2023-05-22. Review status: criteria provided, single submitter. Criteria: ACMG Guidelines, 2015. Collection method: clinical testing. Allele origin: germline.
Comment: The NEB c.13130_13131delTG variant is predicted to result in a frameshift and premature protein termination (p.Met4377Lysfs*11). To our knowledge, this variant has note been reported in the literature. This variant is reported in 0.0016% of alleles in individuals of European (Non-Finnish) descent in gnomAD. Frameshift variants in NEB are expected to be pathogenic. This variant is interpreted as likely pathogenic.

Genetics and Molecular Pathology, SA Pathology
Classification: Pathogenic for Nemaline myopathy 2. Last evaluated: 2021-06-03. Review status: criteria provided, single submitter. Criteria: ACMG Guidelines, 2015. Collection method: clinical testing. Allele origin: germline. Affected: yes.

Broad Center for Mendelian Genomics, Broad Institute of MIT and Harvard
Classification: Likely pathogenic for Nemaline myopathy 2. Last evaluated: 2018-12-03. Review status: criteria provided, single submitter. Criteria: ACMG Guidelines, 2015. Collection method: research. Allele origin: germline. Inheritance: Autosomal recessive inheritance. Affected: yes.
Comment: This variant was absent from large population studies. This nonsense variant leads to a premature termination codon at position 4377, which is predicted to lead to a truncated or absent protein. Loss of function of the NEB gene is an established disease mechanism for autosomal recessive nemaline myopathy. In summary, although additional studies are required to fully establish its clinical significance, the p.Met4377LysfsTer11 is likely pathogenic. Criteria applied: PM2, PVS1 (Richards 2015).

Literature cited by the submitters: PubMed 25205138 (cited by Labcorp Genetics (formerly Invitae), Labcorp).